The following is an entry in ClinVar:

ClinVar aggregate classification (germline): Benign/Likely benign. Review status: criteria provided, multiple submitters, no conflicts (2 of 4 stars). 4 submissions from 4 submitters: Benign (1); Likely benign (3). Last evaluated 2025-11-21.

Conditions:
Cardiovascular phenotype. Identifiers: MedGen CN230736.
Myofibrillar myopathy 4. Also called: Zaspopathy (type). Identifiers: Orphanet 98912, MedGen C4721886, MONDO:0012277, OMIM 609452.

Allele frequency attached by ClinVar (database versions not stated): TOPMed below 0.00001; gnomAD exomes 0.00001 and 0.00002; ExAC 0.00004.
gnomAD v4.1: 18 of 1,614,110 alleles (0.0011%); highest among the groups gnomAD compares: South Asian, 0.0088%; no homozygotes.

Submissions (4):

Labcorp Genetics (formerly Invitae), Labcorp
Classification: Likely benign for Myofibrillar myopathy 4. Last evaluated: 2025-11-21. Review status: criteria provided, single submitter. Criteria: Invitae Variant Classification Sherloc (09022015). Collection method: clinical testing. Allele origin: germline.

Women's Health and Genetics/Laboratory Corporation of America, LabCorp
Classification: Likely benign. Last evaluated: 2024-11-04. Review status: criteria provided, single submitter. Criteria: LabCorp Variant Classification Summary - May 2015. Collection method: clinical testing. Allele origin: germline.

Ambry Genetics
Classification: Likely benign for Cardiovascular phenotype. Last evaluated: 2020-07-19. Review status: criteria provided, single submitter. Criteria: Ambry Variant Classification Scheme 2023. Collection method: clinical testing. Allele origin: germline.

GeneDx
Classification: Benign. Last evaluated: 2015-05-27. Review status: criteria provided, single submitter. Criteria: GeneDx Variant Classification (06012015). Collection method: clinical testing. Allele origin: germline. Affected: yes.
Comment: This variant is considered likely benign or benign based on one or more of the following criteria: it is a conservative change, it occurs at a poorly conserved position in the protein, it is predicted to be benign by multiple in silico algorithms, and/or has population frequency not consistent with disease.

NM_007078.3(LDB3):c.162C>T (p.Gly54=)

Gene: LDB3 (LIM domain binding 3; plus strand). Cytogenetic location: 10q23.2.
Variant type: single nucleotide variant.
Coding change: c.162C>T on transcript NM_007078.3 (MANE Select); coding-DNA position 162, C replaced by T.
Protein change: p.Gly54=; no amino-acid change (glycine 54 retained).
Molecular consequence: synonymous variant.
Genome position (GRCh38, 1-based): chr10:86,679,435, C>T. VCF-style: chr10-86679435-C-T. GRCh37 (hg19) VCF-style: chr10-88439192-C-T.
Other names: c.162C>T, p.Gly54= (NM_001080114.2, NM_001080115.2, NM_001080116.1 and 8 more transcripts).
Identifiers: ClinVar variation 378079 (VCV000378079.13), dbSNP rs757856121, ClinGen allele CA5584604.
Genomic context (GRCh38, chr10:86,679,435, plus strand): 5'-AGGCAGCAAGGCAGCCCAGTCCCAGCTCAGCCAGGGTGACCTCGTGGTGGCCATTGACGG[C>T]GTCAACACAGACACCATGACCCACCTGGAAGCCCAGAACAAGATCAAGTCTGCCAGCTAC-3'
Protein context (NP_009009.1, residues 44-64): SQGDLVVAID[Gly54=]VNTDTMTHLE